The following is an entry in ClinVar:

ClinVar aggregate classification (germline): Uncertain significance. Review status: criteria provided, multiple submitters, no conflicts (2 of 4 stars). 5 submissions from 5 submitters: Uncertain significance (5). Last evaluated 2025-01-06.

Conditions:
Inborn genetic diseases. Identifiers: MedGen C0950123, MeSH D030342.

Allele frequency attached by ClinVar (database versions not stated): ExAC 0.00034; ESP Exome Variant Server 0.00034; gnomAD 0.00059 and 0.00063; TOPMed 0.00077.
gnomAD v4.1: 1,405 of 1,613,754 alleles (0.087%); highest among the groups gnomAD compares: Non-Finnish European, 0.11%; 3 homozygotes.

Submissions (5):

Labcorp Genetics (formerly Invitae), Labcorp
Classification: Uncertain significance. Last evaluated: 2025-01-06. Review status: criteria provided, single submitter. Criteria: Invitae Variant Classification Sherloc (09022015). Collection method: clinical testing. Allele origin: germline.
Comment: This sequence change replaces leucine, which is neutral and non-polar, with phenylalanine, which is neutral and non-polar, at codon 210 of the RTTN protein (p.Leu210Phe). This variant is present in population databases (rs201538332, gnomAD 0.08%), and has an allele count higher than expected for a pathogenic variant. This variant has not been reported in the literature in individuals affected with RTTN-related conditions. ClinVar contains an entry for this variant (Variation ID: 1191175). Invitae Evidence Modeling of protein sequence and biophysical properties (such as structural, functional, and spatial information, amino acid conservation, physicochemical variation, residue mobility, and thermodynamic stability) indicates that this missense variant is not expected to disrupt RTTN protein function with a negative predictive value of 80%. In summary, the available evidence is currently insufficient to determine the role of this variant in disease. Therefore, it has been classified as a Variant of Uncertain Significance.

Blueprint Genetics
Classification: Uncertain significance. Last evaluated: 2024-11-22. Review status: criteria provided, single submitter. Criteria: ACMG Guidelines, 2015. Collection method: clinical testing. Allele origin: germline.

Ambry Genetics
Classification: Uncertain significance for Inborn genetic diseases. Last evaluated: 2024-01-23. Review status: criteria provided, single submitter. Criteria: Ambry Variant Classification Scheme 2023. Collection method: clinical testing. Allele origin: germline.

GeneDx
Classification: Uncertain significance. Last evaluated: 2023-07-19. Review status: criteria provided, single submitter. Criteria: GeneDx Variant Classification Process June 2021. Collection method: clinical testing. Allele origin: germline. Affected: yes.
Comment: In silico analysis supports that this missense variant does not alter protein structure/function; This variant is associated with the following publications: (PMID: OrtizCabrera2019[casereport])

Genetic Services Laboratory, University of Chicago
Classification: Uncertain significance. Last evaluated: 2021-03-08. Review status: criteria provided, single submitter. Criteria: ACMG Guidelines, 2015. Collection method: clinical testing. Allele origin: germline. Affected: no.
Comment: DNA sequence analysis of the RTTN gene demonstrated a sequence change, c.630G>C, in exon 6 that results in an amino acid change, p.Leu210Phe. This sequence change has been described in gnomAD with a population frequency of 0.047% (dbSNP rs201538332). The p.Leu210Phe change affects a highly conserved amino acid residue located in a domain of the RTTN protein that is known to be functional. In-silico pathogenicity prediction tools (SIFT, PolyPhen2, Align GVGD, REVEL) provide contradictory results for the p.Leu210Phe substitution. This sequence change does not appear to have been previously described in patients with RTTN-related disorders. Due to the lack of sufficient evidences, the clinical significance of the p.Leu210Phe change remains unknown at this time.

NM_173630.4(RTTN):c.630G>C (p.Leu210Phe)

Gene: RTTN (rotatin; minus strand). Cytogenetic location: 18q22.2.
Variant type: single nucleotide variant.
Coding change: c.630G>C on transcript NM_173630.4 (MANE Select); coding-DNA position 630, G replaced by C.
Protein change: p.Leu210Phe; replaces leucine 210 with phenylalanine.
Molecular consequence: missense variant. On other transcripts: 5 prime UTR variant (1).
Genome position (GRCh38, 1-based): chr18:70,197,687, C>G on the plus strand (G>C on the coding strand, the complement: RTTN is on the minus strand). VCF-style: chr18-70197687-C-G. GRCh37 (hg19) VCF-style: chr18-67864923-C-G.
Other names: c.-1924G>C (NM_001318520.2); short protein forms L210F.
Identifiers: ClinVar variation 1191175 (VCV001191175.13), dbSNP rs201538332, ClinGen allele CA8996416.
Genomic context (GRCh38, chr18:70,197,687, plus strand): 5'-AACAATTTTTGGCCTTTGAAGGAAAATCTCAGCAGGAAAATCTTGCATGATAACATCCTT[C>G]AATAGTTCACAGGTGTTCCAGATTAAAGTGTGGTTACTACTTCTTAAAGAGCTACAAAAC-3'
Protein context (NP_775901.3, residues 200-220): HTLIWNTCEL[Leu210Phe]KDVIMQDFPA